The following is an entry in ClinVar:

ClinVar aggregate classification (germline): Likely pathogenic. Review status: criteria provided, multiple submitters, no conflicts (2 of 4 stars). 3 submissions from 3 submitters: Likely pathogenic (2). 1 of the submissions does not count toward it. Last evaluated 2024-04-30.

Conditions:
Tay-Sachs disease (TSD). Also called: HEXA DEFICIENCY; GM2 gangliosidosis, type 1; Hexosaminidase alpha-subunit deficiency (variant B); Sphingolipidosis, Tay-Sachs; Hexosaminidase A Deficiency; HEXA Disorders. Identifiers: Orphanet 845, MedGen C0039373, MONDO:0010100, OMIM 272800.

Allele frequency attached by ClinVar (database versions not stated): ExAC 0.00001; gnomAD exomes 0.00001.
gnomAD v4.1: 6 of 1,614,114 alleles (0.00037%); no homozygotes.

Submissions (3):

Natera, Inc.
Classification: Likely pathogenic for Tay-Sachs disease. Last evaluated: 2024-04-30. Review status: criteria provided, single submitter. Criteria: Natera Variant Classification Schema (03/2026). Collection method: clinical testing. Allele origin: germline.
Comment: The c.253+1G>A variant in HEXA is a canonical splice donor site variant predicted to affect pre-mRNA splicing, which may result in an abnormal transcript and altered protein product. This variant is expected to result in nonsense mediated decay, truncation, or a dysfunctional protein product. This variant is rare in the general population with a frequency below the threshold expected for the associated phenotype(s). Given the available evidence, this variant is classified as Likely Pathogenic.

Labcorp Genetics (formerly Invitae), Labcorp
Classification: Likely pathogenic for Tay-Sachs disease. Last evaluated: 2023-05-07. Review status: criteria provided, single submitter. Criteria: Invitae Variant Classification Sherloc (09022015). Collection method: clinical testing. Allele origin: germline.
Comment: In summary, the currently available evidence indicates that the variant is pathogenic, but additional data are needed to prove that conclusively. Therefore, this variant has been classified as Likely Pathogenic. Algorithms developed to predict the effect of sequence changes on RNA splicing suggest that this variant may disrupt the consensus splice site. ClinVar contains an entry for this variant (Variation ID: 371534). This variant has not been reported in the literature in individuals affected with HEXA-related conditions. This variant is present in population databases (rs770093080, gnomAD 0.009%). This sequence change affects a donor splice site in intron 1 of the HEXA gene. It is expected to disrupt RNA splicing. Variants that disrupt the donor or acceptor splice site typically lead to a loss of protein function (PMID: 16199547), and loss-of-function variants in HEXA are known to be pathogenic (PMID: 1833974, 8490625).

Counsyl
Classification: Likely pathogenic for Tay-Sachs disease. Last evaluated: 2016-10-11. Review status: no assertion criteria provided. Collection method: clinical testing. Allele origin: unknown. Not counted in ClinVar's aggregate classification.

Literature cited by the submitters: PubMed 16199547 (cited by Labcorp Genetics (formerly Invitae), Labcorp); PubMed 1833974 (cited by Labcorp Genetics (formerly Invitae), Labcorp); PubMed 8490625 (cited by Labcorp Genetics (formerly Invitae), Labcorp).

NM_000520.6(HEXA):c.253+1G>A

Gene: HEXA (hexosaminidase subunit alpha; minus strand). Cytogenetic location: 15q23.
Variant type: single nucleotide variant.
Coding change: c.253+1G>A on transcript NM_000520.6 (MANE Select); the canonical splice donor site of the intron after coding-DNA position 253, G replaced by A.
Molecular consequence: splice donor variant.
Genome position (GRCh38, 1-based): chr15:72,375,719, C>T on the plus strand (G>A on the coding strand, the complement: HEXA is on the minus strand). VCF-style: chr15-72375719-C-T. GRCh37 (hg19) VCF-style: chr15-72668060-C-T.
Other names: c.253+1G>A (NM_001318825.2, NM_000520.5).
Identifiers: ClinVar variation 371534 (VCV000371534.7), dbSNP rs770093080, ClinGen allele CA7645084.
Genomic context (GRCh38, chr15:72,375,719, plus strand): 5'-GAACTGTCCCCAGGCAGGCACTCTCAGGGCCCAGGAACAGGGCGGGACAAGTCCGACTCA[C>T]CTGTGAGGTAAGGACGGGGCCAAGACCCGGAACCGAAAAGCAGGTCACGATAGCGCTGGA-3'